The following is an entry in ClinVar:

NM_001037333.3(CYFIP2):c.3576T>G (p.Asp1192Glu)

Genes: NIPAL4-DT (NIPAL4 divergent transcript; minus strand), CYFIP2 (cytoplasmic FMR1 interacting protein 2; plus strand), LOC126807569 (P300/CBP strongly-dependent group 1 enhancer GRCh37_chr5:156817055-156818254; plus strand). Cytogenetic location: 5q33.3.
Variant type: single nucleotide variant.
Coding change: c.3576T>G on transcript NM_001037333.3 (MANE Select); coding-DNA position 3576, T replaced by G.
Protein change: p.Asp1192Glu; replaces aspartic acid 1192 with glutamic acid.
Molecular consequence: missense variant.
Genome position (GRCh38, 1-based): chr5:157,390,650, T>G. VCF-style: chr5-157390650-T-G. GRCh37 (hg19) VCF-style: chr5-156817658-T-G.
Other names: c.3498T>G, p.Asp1166Glu (NM_001291721.2); c.3651T>G, p.Asp1217Glu (NM_001291722.2); c.3576T>G, p.Asp1192Glu (NM_014376.4); short protein forms D1166E, D1192E, D1217E.
Identifiers: ClinVar variation 3776530 (VCV003776530.1).

ClinVar aggregate classification (germline): Uncertain significance (1 of 4 stars; one submission).

gnomAD v4.1: 1 of 1,587,796 alleles (0.000063%); highest among the groups gnomAD compares: Non-Finnish European, 0.000086%; no homozygotes.

Submission:

GeneDx
Classification: Uncertain significance. Last evaluated: 2024-10-01. Review status: criteria provided, single submitter. Criteria: GeneDx Variant Classification Process June 2021. Collection method: clinical testing. Allele origin: germline. Affected: yes.
Comment: Not observed at significant frequency in large population cohorts (gnomAD); In silico analysis supports that this missense variant has a deleterious effect on protein structure/function; Has not been previously published as pathogenic or benign to our knowledge